The following is an entry in ClinVar:

ClinVar aggregate classification (germline): Uncertain significance (1 of 4 stars; one submission).

Submission:

Labcorp Genetics (formerly Invitae), Labcorp
Classification: Uncertain significance. Last evaluated: 2025-03-19. Review status: criteria provided, single submitter. Criteria: Invitae Variant Classification Sherloc (09022015). Collection method: clinical testing. Allele origin: germline.
Comment: This sequence change replaces arginine, which is basic and polar, with glycine, which is neutral and non-polar, at codon 272 of the GDF5 protein (p.Arg272Gly). This variant is not present in population databases (gnomAD no frequency). This variant has not been reported in the literature in individuals affected with GDF5-related conditions. ClinVar contains an entry for this variant (Variation ID: 2993387). Invitae Evidence Modeling of protein sequence and biophysical properties (such as structural, functional, and spatial information, amino acid conservation, physicochemical variation, residue mobility, and thermodynamic stability) indicates that this missense variant is not expected to disrupt GDF5 protein function with a negative predictive value of 80%. In summary, the available evidence is currently insufficient to determine the role of this variant in disease. Therefore, it has been classified as a Variant of Uncertain Significance.

NM_000557.5(GDF5):c.814C>G (p.Arg272Gly)

Genes: GDF5 (growth differentiation factor 5; minus strand), GDF5-AS1 (GDF5 antisense RNA 1; plus strand). Cytogenetic location: 20q11.22.
Variant type: single nucleotide variant.
Coding change: c.814C>G on transcript NM_000557.5 (MANE Select); coding-DNA position 814, C replaced by G.
Protein change: p.Arg272Gly; replaces arginine 272 with glycine.
Molecular consequence: missense variant. On other transcripts: non-coding transcript variant (1).
Genome position (GRCh38, 1-based): chr20:35,434,601, G>C on the plus strand (C>G on the coding strand, the complement: GDF5 is on the minus strand). VCF-style: chr20-35434601-G-C. GRCh37 (hg19) VCF-style: chr20-34022399-G-C.
Other names: c.814C>G, p.Arg272Gly (NM_001319138.2); short protein forms R272G.
Identifiers: ClinVar variation 2993387 (VCV002993387.3), dbSNP rs1480820638, ClinGen allele CA408741001.
Genomic context (GRCh38, chr20:35,434,601, plus strand): 5'-CCCAGCCAGATCCGTCCAGGCCTGGCACGGAGCGCACATCCAGCAAGGCGGCCGGCTGCC[G>C]GCCGCTGGGGCAGCTGGACAGCTTCAGCTGGGCAGCCCGCCCGCCTCCGGGGGCCGCTGG-3'
Protein context (NP_000548.2, residues 262-282): QLKLSSCPSG[Arg272Gly]QPAALLDVRS